The following is an entry in ClinVar:

NM_194318.4(B3GLCT):c.932C>T (p.Thr311Ile)

Gene: B3GLCT (beta 3-glucosyltransferase; plus strand). Cytogenetic location: 13q12.3.
Variant type: single nucleotide variant.
Coding change: c.932C>T on transcript NM_194318.4 (MANE Select); coding-DNA position 932, C replaced by T.
Protein change: p.Thr311Ile; replaces threonine 311 with isoleucine.
Molecular consequence: missense variant.
Genome position (GRCh38, 1-based): chr13:31,284,729, C>T. VCF-style: chr13-31284729-C-T. GRCh37 (hg19) VCF-style: chr13-31858866-C-T.
Other names: short protein forms T311I.
Identifiers: ClinVar variation 193947 (VCV000193947.17), dbSNP rs201027107, ClinGen allele CA239687.

ClinVar aggregate classification (germline): Uncertain significance. Review status: criteria provided, multiple submitters, no conflicts (2 of 4 stars). 3 submissions from 3 submitters: Uncertain significance (3). Last evaluated 2022-08-16.

Conditions:
Peters plus syndrome. Also called: KRAUSE-KIVLIN SYNDROME. Identifiers: Orphanet 709, MedGen C0796012, MONDO:0009856, OMIM 261540.

Allele frequency attached by ClinVar (database versions not stated): ExAC 0.00003; gnomAD 0.00005; gnomAD exomes 0.00006 and 0.00020; TOPMed 0.00006.
gnomAD v4.1: 302 of 1,605,184 alleles (0.019%); highest among the groups gnomAD compares: Non-Finnish European, 0.024%; no homozygotes.

Submissions (3):

Labcorp Genetics (formerly Invitae), Labcorp
Classification: Uncertain significance for Peters plus syndrome. Last evaluated: 2022-08-16. Review status: criteria provided, single submitter. Criteria: Invitae Variant Classification Sherloc (09022015). Collection method: clinical testing. Allele origin: germline.
Comment: This variant has not been reported in the literature in individuals affected with B3GLCT-related conditions. ClinVar contains an entry for this variant (Variation ID: 193947). Algorithms developed to predict the effect of missense changes on protein structure and function are either unavailable or do not agree on the potential impact of this missense change (SIFT: "Deleterious"; PolyPhen-2: "Probably Damaging"; Align-GVGD: "Class C15"). In summary, the available evidence is currently insufficient to determine the role of this variant in disease. Therefore, it has been classified as a Variant of Uncertain Significance. This variant is present in population databases (rs201027107, gnomAD 0.01%). This sequence change replaces threonine, which is neutral and polar, with isoleucine, which is neutral and non-polar, at codon 311 of the B3GLCT protein (p.Thr311Ile).

Illumina Laboratory Services, Illumina
Classification: Uncertain significance for Peters plus syndrome. Last evaluated: 2018-01-12. Review status: criteria provided, single submitter. Criteria: ICSL Variant Classification Criteria 13 December 2019. Collection method: clinical testing. Allele origin: germline.

Eurofins Ntd Llc (ga)
Classification: Uncertain significance. Last evaluated: 2014-09-29. Review status: criteria provided, single submitter. Criteria: EGL Classification Definitions 2015. Collection method: clinical testing. Allele origin: germline. Observed: 1 variant allele, 1 heterozygote.